The following is an entry in ClinVar:

ClinVar aggregate classification (germline): Uncertain significance. Review status: criteria provided, single submitter (1 of 4 stars). 2 submissions from 2 submitters: Uncertain significance (1). 1 of the submissions does not count toward it. Last evaluated 2025-10-01.

Conditions:
PLXNA3-related disorder. Also called: PLXNA3-related condition.

gnomAD v4.1: 3 of 1,201,200 alleles (0.00025%); highest among the groups gnomAD compares: African/African-American, 0.0053%; no homozygotes.

Submissions (2):

Ambry Genetics
Classification: Uncertain significance. Last evaluated: 2025-10-01. Review status: criteria provided, single submitter. Criteria: Ambry Variant Classification Scheme 2023. Collection method: clinical testing. Allele origin: germline.

PreventionGenetics, part of Exact Sciences
Classification: Uncertain significance for PLXNA3-related condition. Last evaluated: 2024-06-28. Review status: no assertion criteria provided. Collection method: clinical testing. Allele origin: germline. Not counted in ClinVar's aggregate classification.
Comment: The PLXNA3 c.3974A>C variant is predicted to result in the amino acid substitution p.Asn1325Thr. To our knowledge, this variant has not been reported in the literature. This variant is reported in 0.0078% of alleles in individuals of African descent in gnomAD. At this time, the clinical significance of this variant is uncertain due to the absence of conclusive functional and genetic evidence.

NM_017514.5(PLXNA3):c.3974A>C (p.Asn1325Thr)

Gene: PLXNA3 (plexin A3; plus strand). Cytogenetic location: Xq28.
Variant type: single nucleotide variant.
Coding change: c.3974A>C on transcript NM_017514.5 (MANE Select); coding-DNA position 3974, A replaced by C.
Protein change: p.Asn1325Thr; replaces asparagine 1325 with threonine.
Molecular consequence: missense variant.
Genome position (GRCh38, 1-based): chrX:154,468,313, A>C. VCF-style: chrX-154468313-A-C. GRCh37 (hg19) VCF-style: chrX-153696656-A-C.
Other names: c.3974A>C (NM_017514.3); short protein forms N1325T.
Identifiers: ClinVar variation 3357596 (VCV003357596.2).
Genomic context (GRCh38, chrX:154,468,313, plus strand): 5'-CATTCCCTTCAGGGCCGCCCCCACCCTCTGAGACCTCCTGCTCCCCACAGACGCCACCCA[A>C]CGTGGAGAAGGCCCTGCGCCTCTTCGGGCAGCTGCTGCACAGCCGCGCGTTCGTGCTTAC-3'
Protein context (NP_059984.3, residues 1315-1335): PVLKELDTPP[Asn1325Thr]VEKALRLFGQ